The following is an entry in ClinVar:

ClinVar aggregate classification (germline): Pathogenic (1 of 4 stars; one submission).

Allele frequency attached by ClinVar (database versions not stated): gnomAD exomes below 0.00001.

Submission:

Labcorp Genetics (formerly Invitae), Labcorp
Classification: Pathogenic. Last evaluated: 2023-08-10. Review status: criteria provided, single submitter. Criteria: Invitae Variant Classification Sherloc (09022015). Collection method: clinical testing. Allele origin: germline.
Comment: This sequence change creates a premature translational stop signal (p.Thr1510Argfs*12) in the LOXHD1 gene. It is expected to result in an absent or disrupted protein product. Loss-of-function variants in LOXHD1 are known to be pathogenic (PMID: 19732867, 21465660, 25792669). This variant is not present in population databases (gnomAD no frequency). This variant has not been reported in the literature in individuals affected with LOXHD1-related conditions. ClinVar contains an entry for this variant (Variation ID: 1351875). For these reasons, this variant has been classified as Pathogenic.

Literature cited by the submitters: PubMed 19732867; PubMed 21465660; PubMed 25792669.

NM_001384474.1(LOXHD1):c.4529del (p.Thr1510fs)

Gene: LOXHD1 (lipoxygenase homology PLAT domains 1; minus strand). Cytogenetic location: 18q21.1.
Variant type: Deletion.
Coding change: c.4529del on transcript NM_001384474.1 (MANE Select); coding-DNA position 4529, one base deleted (C; older notation c.4529delC).
Protein change: p.Thr1510fs; shifts the reading frame from threonine 1510.
Molecular consequence: frameshift variant.
Genome position (GRCh38, 1-based): chr18:46,529,178, G deleted on the plus strand (C on the coding strand, the reverse complement: LOXHD1 is on the minus strand). VCF-style (leftmost placement, unchanged base first): chr18-46529177-CG-C. GRCh37 (hg19) VCF-style: chr18-44109140-CG-C.
Other names: c.1196del, p.Thr399fs (NM_001145472.3); c.908del, p.Thr303fs (NM_001308013.2); c.4529del, p.Thr1510fs (NM_144612.7); short protein forms T1510fs, T399fs, T303fs.
Identifiers: ClinVar variation 1351875 (VCV001351875.6), dbSNP rs2144219491, ClinGen allele CA2573155275.